The following is an entry in ClinVar:

NM_001012338.3(NTRK3):c.1704T>C (p.Leu568=)

Gene: NTRK3 (neurotrophic receptor tyrosine kinase 3; minus strand). Cytogenetic location: 15q25.3.
Variant type: single nucleotide variant.
Coding change: c.1704T>C on transcript NM_001012338.3 (MANE Select); coding-DNA position 1704, T replaced by C.
Protein change: p.Leu568=; no amino-acid change (leucine 568 retained).
Molecular consequence: synonymous variant.
Genome position (GRCh38, 1-based): chr15:87,940,635, A>G on the plus strand (T>C on the coding strand, the complement: NTRK3 is on the minus strand). VCF-style: chr15-87940635-A-G. GRCh37 (hg19) VCF-style: chr15-88483866-A-G.
Other names: c.1680T>C, p.Leu560= (NM_001243101.2, NM_001375812.1); c.1410T>C, p.Leu470= (NM_001320135.2); c.1704T>C, p.Leu568= (NM_001375810.1, NM_001375811.1, NM_002530.4).
Identifiers: ClinVar variation 725325 (VCV000725325.6), dbSNP rs34595460, ClinGen allele CA7716737.

ClinVar aggregate classification (germline): Benign. Review status: criteria provided, multiple submitters, no conflicts (2 of 4 stars). 3 submissions from 3 submitters: Benign (2). 1 of the submissions does not count toward it. Last evaluated 2018-07-17.

Conditions:
NTRK3-related disorder. Also called: NTRK3-related condition.

Allele frequency attached by ClinVar (database versions not stated): 1000 Genomes Project 0.00040; gnomAD 0.00048; gnomAD exomes 0.00061 and 0.00083; TOPMed 0.00061; ExAC 0.00077; 1000 Genomes Project 30x 0.00062; ESP Exome Variant Server 0.00062.
gnomAD v4.1: 1,013 of 1,613,844 alleles (0.063%); highest among the groups gnomAD compares: Middle Eastern, 1.1%; 2 homozygotes.

Submissions (3):

Labcorp Genetics (formerly Invitae), Labcorp
Classification: Benign. Last evaluated: 2018-07-17. Review status: criteria provided, single submitter. Criteria: Invitae Variant Classification Sherloc (09022015). Collection method: clinical testing. Allele origin: germline.

Breakthrough Genomics
Classification: Benign. Review status: criteria provided, single submitter. Criteria: ACMG Guidelines, 2015. Collection method: not provided. Allele origin: germline. Inheritance: Unknown mechanism. Affected: yes.

PreventionGenetics, part of Exact Sciences
Classification: Likely benign for NTRK3-related condition. Last evaluated: 2019-04-01. Review status: no assertion criteria provided. Collection method: clinical testing. Allele origin: germline. Not counted in ClinVar's aggregate classification.
Comment: This variant is classified as likely benign based on ACMG/AMP sequence variant interpretation guidelines (Richards et al. 2015 PMID: 25741868, with internal and published modifications).